The following is an entry in ClinVar:

ClinVar aggregate classification (germline): Conflicting classifications of pathogenicity. Review status: criteria provided, conflicting classifications (1 of 4 stars). 5 submissions from 5 submitters: Uncertain significance (2); Likely benign (3). Last evaluated 2025-02-18.

Conditions:
Inborn genetic diseases. Identifiers: MedGen C0950123, MeSH D030342.
Mowat-Wilson syndrome (MOWS). Also called: Classic Mowat-Wilson Syndrome. Identifiers: Orphanet 2152, MedGen C1856113, MONDO:0009341, OMIM 235730.

Allele frequency attached by ClinVar (database versions not stated): ESP Exome Variant Server 0.00015; gnomAD exomes 0.00001 and 0.00002; ExAC 0.00002; gnomAD 0.00005 and 0.00006; TOPMed 0.00006.
gnomAD v4.1: 14 of 1,613,760 alleles (0.00087%); highest among the groups gnomAD compares: African/African-American, 0.017%; no homozygotes.

Submissions (5):

Ambry Genetics
Classification: Likely benign for Inborn genetic diseases. Last evaluated: 2025-02-18. Review status: criteria provided, single submitter. Criteria: Ambry Variant Classification Scheme 2023. Collection method: clinical testing. Allele origin: germline.

Labcorp Genetics (formerly Invitae), Labcorp
Classification: Likely benign for Mowat-Wilson syndrome. Last evaluated: 2024-10-15. Review status: criteria provided, single submitter. Criteria: Invitae Variant Classification Sherloc (09022015). Collection method: clinical testing. Allele origin: germline.

Genome-Nilou Lab
Classification: Uncertain significance for Mowat-Wilson syndrome. Last evaluated: 2021-11-07. Review status: criteria provided, single submitter. Criteria: ACMG Guidelines, 2015. Collection method: clinical testing. Allele origin: germline. Affected: no.

GeneDx
Classification: Likely benign. Last evaluated: 2017-12-04. Review status: criteria provided, single submitter. Criteria: GeneDx Variant Classification (06012015). Collection method: clinical testing. Allele origin: germline. Affected: yes.
Comment: This variant is considered likely benign or benign based on one or more of the following criteria: it is a conservative change, it occurs at a poorly conserved position in the protein, it is predicted to be benign by multiple in silico algorithms, and/or has population frequency not consistent with disease.

Athena Diagnostics
Classification: Uncertain significance. Last evaluated: 2017-09-11. Review status: criteria provided, single submitter. Criteria: Athena Diagnostics Criteria. Collection method: clinical testing. Allele origin: germline.

NM_014795.4(ZEB2):c.2855G>C (p.Arg952Thr)

Gene: ZEB2 (zinc finger E-box binding homeobox 2; minus strand). Cytogenetic location: 2q22.3.
Variant type: single nucleotide variant.
Coding change: c.2855G>C on transcript NM_014795.4 (MANE Select); coding-DNA position 2855, G replaced by C.
Protein change: p.Arg952Thr; replaces arginine 952 with threonine.
Molecular consequence: missense variant.
Genome position (GRCh38, 1-based): chr2:144,398,332, C>G on the plus strand (G>C on the coding strand, the complement: ZEB2 is on the minus strand). VCF-style: chr2-144398332-C-G. GRCh37 (hg19) VCF-style: chr2-145155899-C-G.
Other names: c.2783G>C, p.Arg928Thr (NM_001171653.2); short protein forms R952T, R928T.
Identifiers: ClinVar variation 506473 (VCV000506473.13), dbSNP rs151256895, ClinGen allele CA1898206.